The following is an entry in ClinVar:

NM_004006.3(DMD):c.5448+1G>T

Gene: DMD (dystrophin; minus strand). Cytogenetic location: Xp21.1.
Variant type: single nucleotide variant.
Coding change: c.5448+1G>T on transcript NM_004006.3 (MANE Select); the canonical splice donor site of the intron after coding-DNA position 5448, G replaced by T.
Molecular consequence: splice donor variant.
Genome position (GRCh38, 1-based): chrX:32,348,405, C>A on the plus strand (G>T on the coding strand, the complement: DMD is on the minus strand). VCF-style: chrX-32348405-C-A. GRCh37 (hg19) VCF-style: chrX-32366522-C-A.
Other names: c.5424+1G>T (NM_000109.4); c.1425+1G>T (NM_004011.4); c.1416+1G>T (NM_004012.4); c.5436+1G>T (NM_004009.3); c.5079+1G>T (NM_004010.3).
Identifiers: ClinVar variation 929016 (VCV000929016.2), dbSNP rs1064796764, ClinGen allele CA412667538.

ClinVar aggregate classification (germline): Likely pathogenic. Review status: criteria provided, multiple submitters, no conflicts (2 of 4 stars). 2 submissions from 2 submitters: Likely pathogenic (2). Last evaluated 2025-10-03.

Conditions:
Duchenne muscular dystrophy (DMD). Also called: Duchenne Muscular Dystrophy (DMD); MUSCULAR DYSTROPHY, PSEUDOHYPERTROPHIC PROGRESSIVE, DUCHENNE TYPE. Identifiers: Orphanet 98896, MedGen C0013264, MONDO:0010679, OMIM 310200.
Neuromuscular disease caused by qualitative or quantitative defects of dystrophin. Also called: Qualitative or quantitative defects of dystrophin. Identifiers: Orphanet 207085, MedGen C5679787, MONDO:0016147.

Submissions (2):

Labcorp Genetics (formerly Invitae), Labcorp
Classification: Likely pathogenic for Duchenne muscular dystrophy. Last evaluated: 2025-10-03. Review status: criteria provided, single submitter. Criteria: Invitae Variant Classification Sherloc (09022015). Collection method: clinical testing. Allele origin: germline.
Comment: This sequence change affects a donor splice site in intron 38 of the DMD gene. It is expected to disrupt RNA splicing. Variants that disrupt the donor or acceptor splice site typically lead to a loss of protein function (PMID: 16199547), and loss-of-function variants in DMD are known to be pathogenic (PMID: 16770791, 25007885). This variant is not present in population databases (gnomAD no frequency). This variant has not been reported in the literature in individuals affected with DMD-related conditions. ClinVar contains an entry for this variant (Variation ID: 929016). Algorithms developed to predict the effect of sequence changes on RNA splicing suggest that this variant may disrupt the consensus splice site. In summary, the currently available evidence indicates that the variant is pathogenic, but additional data are needed to prove that conclusively. Therefore, this variant has been classified as Likely Pathogenic.

Women's Health and Genetics/Laboratory Corporation of America, LabCorp
Classification: Likely pathogenic for Dystrophinopathies. Last evaluated: 2019-04-01. Review status: criteria provided, single submitter. Criteria: LabCorp Variant Classification Summary - May 2015. Collection method: clinical testing. Allele origin: germline.
Comment: Variant summary: DMD c.5448+1G>T is located in a canonical splice-site and is predicted to affect mRNA splicing resulting in a significantly altered protein due to either exon skipping, shortening, or inclusion of intronic material. Several computational tools predict a significant impact on normal splicing: Three predict the variant abolishes a 5' splicing donor site. However, these predictions have yet to be confirmed by functional studies. The variant was absent in 177479 control chromosomes (gnomAD). To our knowledge, no occurrence of c.5448+1G>T in individuals affected with Dystrophinopathies and no experimental evidence demonstrating its impact on protein function have been reported. No clinical diagnostic laboratories have submitted clinical-significance assessments for this variant to ClinVar after 2014. Based on the evidence outlined above, the variant was classified as likely pathogenic.

Literature cited by the submitters: PubMed 16199547 (cited by Labcorp Genetics (formerly Invitae), Labcorp); PubMed 16770791 (cited by Labcorp Genetics (formerly Invitae), Labcorp); PubMed 25007885 (cited by Labcorp Genetics (formerly Invitae), Labcorp).